The following is an entry in ClinVar:

ClinVar aggregate classification (germline): Likely benign (1 of 4 stars; one submission).

gnomAD v4.1: 2 of 1,613,600 alleles (0.00012%); highest among the groups gnomAD compares: Non-Finnish European, 0.00017%; no homozygotes.

Submission:

CeGaT Center for Human Genetics Tuebingen
Classification: Likely benign. Last evaluated: 2026-04-01. Review status: criteria provided, single submitter. Criteria: CeGaT Center For Human Genetics Tuebingen Variant Classification Criteria Version 2. Collection method: clinical testing. Allele origin: germline. Affected: yes. Observed: 1 variant allele.
Comment: ASCC3: BP4, BP7

NM_006828.4(ASCC3):c.4584C>A (p.Gly1528=)

Gene: ASCC3 (activating signal cointegrator 1 complex subunit 3; minus strand). Cytogenetic location: 6q16.3.
Variant type: single nucleotide variant.
Coding change: c.4584C>A on transcript NM_006828.4 (MANE Select); coding-DNA position 4584, C replaced by A.
Protein change: p.Gly1528=; no amino-acid change (glycine 1528 retained).
Molecular consequence: synonymous variant.
Genome position (GRCh38, 1-based): chr6:100,627,648, G>T on the plus strand (C>A on the coding strand, the complement: ASCC3 is on the minus strand). VCF-style: chr6-100627648-G-T. GRCh37 (hg19) VCF-style: chr6-101075524-G-T.
Identifiers: ClinVar variation 4874194 (VCV004874194.2).